The following is an entry in ClinVar:

ClinVar aggregate classification (germline): Conflicting classifications of pathogenicity. Review status: criteria provided, conflicting classifications (1 of 4 stars). 5 submissions from 5 submitters: Uncertain significance (3); Likely benign (2). Last evaluated 2025-12-16.

Conditions:
Autosomal recessive distal spinal muscular atrophy 1. Also called: NEURONOPATHY, SEVERE INFANTILE AXONAL, WITH RESPIRATORY FAILURE; NEURONOPATHY, DISTAL HEREDITARY MOTOR, HARDING TYPE VI; NEUROPATHY, DISTAL HEREDITARY MOTOR, AUTOSOMAL RECESSIVE 1; HMN VI; SEVERE INFANTILE AXONAL NEUROPATHY WITH RESPIRATORY FAILURE; SPINAL MUSCULAR ATROPHY, DIAPHRAGMATIC. Identifiers: Orphanet 98920, MedGen C1858517, MONDO:0011436, OMIM 604320.
Inborn genetic diseases. Identifiers: MedGen C0950123, MeSH D030342.
Charcot-Marie-Tooth disease axonal type 2S. Also called: CHARCOT-MARIE-TOOTH NEUROPATHY, TYPE 2S; CHARCOT-MARIE-TOOTH DISEASE, AXONAL, AUTOSOMAL RECESSIVE, TYPE 2S. Identifiers: Orphanet 443073, MedGen C4015349, MONDO:0014511, OMIM 616155.

Allele frequency attached by ClinVar (database versions not stated): gnomAD exomes 0.00013; ExAC 0.00017; 1000 Genomes Project 30x 0.00031; TOPMed 0.00035; gnomAD 0.00038 and 0.00041; 1000 Genomes Project 0.00040; ESP Exome Variant Server 0.00046.
gnomAD v4.1: 249 of 1,613,664 alleles (0.015%); highest among the groups gnomAD compares: African/African-American, 0.11%; no homozygotes.

Submissions (5):

Labcorp Genetics (formerly Invitae), Labcorp
Classification: Likely benign for Autosomal recessive distal spinal muscular atrophy 1; Charcot-Marie-Tooth disease axonal type 2S. Last evaluated: 2025-12-16. Review status: criteria provided, single submitter. Criteria: Invitae Variant Classification Sherloc (09022015). Collection method: clinical testing. Allele origin: germline.

Ambry Genetics
Classification: Likely benign for Inborn genetic diseases. Last evaluated: 2024-02-26. Review status: criteria provided, single submitter. Criteria: Ambry Variant Classification Scheme 2023. Collection method: clinical testing. Allele origin: germline.

GeneDx
Classification: Uncertain significance. Last evaluated: 2021-02-01. Review status: criteria provided, single submitter. Criteria: GeneDx Variant Classification Process June 2021. Collection method: clinical testing. Allele origin: germline. Affected: yes.
Comment: Has not been previously published as pathogenic or benign to our knowledge; In silico analysis supports that this missense variant does not alter protein structure/function

Illumina Laboratory Services, Illumina
Classification: Uncertain significance for Autosomal recessive distal spinal muscular atrophy 1. Last evaluated: 2018-01-13. Review status: criteria provided, single submitter. Criteria: ICSL Variant Classification Criteria 13 December 2019. Collection method: clinical testing. Allele origin: germline.

ARUP Laboratories, Molecular Genetics and Genomics, ARUP Laboratories
Classification: Uncertain significance. Last evaluated: 2016-11-08. Review status: criteria provided, single submitter. Criteria: ARUP Molecular Germline Variant Investigation Process. Collection method: clinical testing. Allele origin: germline.

NM_002180.3(IGHMBP2):c.2026G>A (p.Gly676Arg)

Gene: IGHMBP2 (immunoglobulin mu DNA binding protein 2; plus strand). Cytogenetic location: 11q13.3.
Variant type: single nucleotide variant.
Coding change: c.2026G>A on transcript NM_002180.3 (MANE Select); coding-DNA position 2026, G replaced by A.
Protein change: p.Gly676Arg; replaces glycine 676 with arginine.
Molecular consequence: missense variant.
Genome position (GRCh38, 1-based): chr11:68,936,506, G>A. VCF-style: chr11-68936506-G-A. GRCh37 (hg19) VCF-style: chr11-68703974-G-A.
Other names: short protein forms G676R.
Identifiers: ClinVar variation 439819 (VCV000439819.25), dbSNP rs149577588, ClinGen allele CA6153828.